The following is an entry in ClinVar:

NM_004320.6(ATP2A1):c.1466G>A (p.Arg489Gln)

Gene: ATP2A1 (ATPase sarcoplasmic/endoplasmic reticulum Ca2+ transporting 1; plus strand). Cytogenetic location: 16p11.2.
Variant type: single nucleotide variant.
Coding change: c.1466G>A on transcript NM_004320.6 (MANE Select); coding-DNA position 1466, G replaced by A.
Protein change: p.Arg489Gln; replaces arginine 489 with glutamine.
Molecular consequence: missense variant.
Genome position (GRCh38, 1-based): chr16:28,898,046, G>A. VCF-style: chr16-28898046-G-A. GRCh37 (hg19) VCF-style: chr16-28909367-G-A.
Other names: c.1091G>A, p.Arg364Gln (NM_001286075.2); c.1466G>A, p.Arg489Gln (NM_173201.5); c.1466G>A (NM_173201.3, NM_173201.4); short protein forms R489Q, R364Q.
Identifiers: ClinVar variation 446877 (VCV000446877.7), dbSNP rs868448815, ClinGen allele CA7986987.

ClinVar aggregate classification (germline): Uncertain significance. Review status: criteria provided, multiple submitters, no conflicts (2 of 4 stars). 4 submissions from 4 submitters: Uncertain significance (4). Last evaluated 2024-05-21.

Conditions:
Brody myopathy. Also called: BRODY DISEASE. Identifiers: Orphanet 53347, MedGen C1832918, MONDO:0010977, OMIM 601003.

Allele frequency attached by ClinVar (database versions not stated): gnomAD exomes 0.00002; ExAC 0.00003; gnomAD 0.00003 and 0.00004; TOPMed 0.00003.
gnomAD v4.1: 41 of 1,613,990 alleles (0.0025%); highest among the groups gnomAD compares: East Asian, 0.0022%; no homozygotes.

Submissions (4):

GeneDx
Classification: Uncertain significance. Last evaluated: 2024-05-21. Review status: criteria provided, single submitter. Criteria: GeneDx Variant Classification Process June 2021. Collection method: clinical testing. Allele origin: germline. Affected: yes.
Comment: In silico analysis supports that this missense variant has a deleterious effect on protein structure/function; Has not been previously published as pathogenic or benign to our knowledge

Labcorp Genetics (formerly Invitae), Labcorp
Classification: Uncertain significance for Brody myopathy. Last evaluated: 2022-06-27. Review status: criteria provided, single submitter. Criteria: Invitae Variant Classification Sherloc (09022015). Collection method: clinical testing. Allele origin: germline.
Comment: This sequence change replaces arginine, which is basic and polar, with glutamine, which is neutral and polar, at codon 489 of the ATP2A1 protein (p.Arg489Gln). This variant is present in population databases (no rsID available, gnomAD 0.02%). This variant has not been reported in the literature in individuals affected with ATP2A1-related conditions. ClinVar contains an entry for this variant (Variation ID: 446877). Algorithms developed to predict the effect of missense changes on protein structure and function are either unavailable or do not agree on the potential impact of this missense change (SIFT: "Deleterious"; PolyPhen-2: "Possibly Damaging"; Align-GVGD: "Class C0"). In summary, the available evidence is currently insufficient to determine the role of this variant in disease. Therefore, it has been classified as a Variant of Uncertain Significance.

Revvity Omics, Revvity
Classification: Uncertain significance for Brody myopathy. Last evaluated: 2020-02-24. Review status: criteria provided, single submitter. Criteria: ACMG Guidelines, 2015. Collection method: clinical testing. Allele origin: germline.

Athena Diagnostics
Classification: Uncertain significance. Last evaluated: 2016-12-09. Review status: criteria provided, single submitter. Criteria: Athena Diagnostics Criteria. Collection method: clinical testing. Allele origin: germline.